The following is an entry in ClinVar:

NM_000085.5(CLCNKB):c.823G>A (p.Val275Ile)

Genes: CLCNKB (chloride voltage-gated channel Kb; plus strand), LOC106501713 (CLCNKB recombination region; plus strand). Cytogenetic location: 1p36.13.
Variant type: single nucleotide variant.
Coding change: c.823G>A on transcript NM_000085.5 (MANE Select); coding-DNA position 823, G replaced by A.
Protein change: p.Val275Ile; replaces valine 275 with isoleucine.
Molecular consequence: missense variant.
Genome position (GRCh38, 1-based): chr1:16,049,659, G>A. VCF-style: chr1-16049659-G-A. GRCh37 (hg19) VCF-style: chr1-16376154-G-A.
Other names: p.Val275Ile; c.316G>A, p.Val106Ile (NM_001165945.2); short protein forms V106I, V275I.
Identifiers: ClinVar variation 786452 (VCV000786452.11), dbSNP rs62620054, ClinGen allele CA623533.

ClinVar aggregate classification (germline): Benign. Review status: criteria provided, multiple submitters, no conflicts (2 of 4 stars). 3 submissions from 3 submitters: Benign (3). Last evaluated 2026-01-28.

Allele frequency attached by ClinVar (database versions not stated): gnomAD exomes 0.00093 and 0.00263; ExAC 0.00349; gnomAD 0.00965 and 0.01032; 1000 Genomes Project 0.01118; TOPMed 0.01146; ESP Exome Variant Server 0.01151; 1000 Genomes Project 30x 0.01218.
gnomAD v4.1: 2,862 of 1,610,136 alleles (0.18%); highest among the groups gnomAD compares: African/African-American, 3.4%; 51 homozygotes.

Submissions (3):

Labcorp Genetics (formerly Invitae), Labcorp
Classification: Benign. Last evaluated: 2026-01-28. Review status: criteria provided, single submitter. Criteria: Invitae Variant Classification Sherloc (09022015). Collection method: clinical testing. Allele origin: germline.

Mayo Clinic Laboratories, Mayo Clinic
Classification: Benign. Last evaluated: 2025-08-03. Review status: criteria provided, single submitter. Criteria: ACMG Guidelines, 2015. Collection method: clinical testing. Allele origin: germline. Observed: 4 variant alleles.
Comment: BS1, BS2, BP4_moderate

Athena Diagnostics
Classification: Benign. Last evaluated: 2020-01-10. Review status: criteria provided, single submitter. Criteria: Athena Diagnostics Criteria. Collection method: clinical testing. Allele origin: unknown.